The following is an entry in ClinVar:

NM_006876.3(B4GAT1):c.828G>T (p.Val276=)

Gene: B4GAT1 (beta-1,4-glucuronyltransferase 1; minus strand). Cytogenetic location: 11q13.2.
Variant type: single nucleotide variant.
Coding change: c.828G>T on transcript NM_006876.3 (MANE Select); coding-DNA position 828, G replaced by T.
Protein change: p.Val276=; no amino-acid change (valine 276 retained).
Molecular consequence: synonymous variant.
Genome position (GRCh38, 1-based): chr11:66,346,718, C>A on the plus strand (G>T on the coding strand, the complement: B4GAT1 is on the minus strand). VCF-style: chr11-66346718-C-A. GRCh37 (hg19) VCF-style: chr11-66114189-C-A.
Identifiers: ClinVar variation 420641 (VCV000420641.22), dbSNP rs142956522, ClinGen allele CA6120504.

ClinVar aggregate classification (germline): Benign/Likely benign. Review status: criteria provided, multiple submitters, no conflicts (2 of 4 stars). 5 submissions from 5 submitters: Benign (1); Likely benign (3). 1 of the submissions does not count toward it. Last evaluated 2026-02-01.

Conditions:
B4GAT1-related disorder. Also called: B4GAT1-related condition.
Muscular dystrophy-dystroglycanopathy (congenital with brain and eye anomalies), type A13. Also called: WALKER-WARBURG SYNDROME OR MUSCLE-EYE-BRAIN DISEASE, B3GNT1-RELATED; Muscular dystrophy-dystroglycanopathy (congenital with brain and eye anomalies), type a, 13. Identifiers: Orphanet 899, MedGen C3809042, MONDO:0014120, OMIM 615287.

Allele frequency attached by ClinVar (database versions not stated): gnomAD exomes 0.00026 and 0.00075; ExAC 0.00080; 1000 Genomes Project 0.00260; 1000 Genomes Project 30x 0.00265; gnomAD 0.00271 and 0.00291; TOPMed 0.00294; ESP Exome Variant Server 0.00323.

Submissions (5):

Labcorp Genetics (formerly Invitae), Labcorp
Classification: Benign for Muscular dystrophy-dystroglycanopathy (congenital with brain and eye anomalies), type A13. Last evaluated: 2026-02-01. Review status: criteria provided, single submitter. Criteria: Invitae Variant Classification Sherloc (09022015). Collection method: clinical testing. Allele origin: germline.

Blueprint Genetics
Classification: Likely benign. Last evaluated: 2024-07-15. Review status: criteria provided, single submitter. Criteria: ACMG Guidelines, 2015. Collection method: clinical testing. Allele origin: germline.

GeneDx
Classification: Likely benign. Last evaluated: 2020-12-31. Review status: criteria provided, single submitter. Criteria: GeneDx Variant Classification Process June 2021. Collection method: clinical testing. Allele origin: germline. Affected: yes.

Genetic Services Laboratory, University of Chicago
Classification: Likely benign. Last evaluated: 2016-06-30. Review status: criteria provided, single submitter. Criteria: ACMG Guidelines, 2015. Collection method: clinical testing. Allele origin: germline. Affected: no.

PreventionGenetics, part of Exact Sciences
Classification: Benign for B4GAT1-related condition. Last evaluated: 2023-01-20. Review status: no assertion criteria provided. Collection method: clinical testing. Allele origin: germline. Not counted in ClinVar's aggregate classification.
Comment: This variant is classified as benign based on ACMG/AMP sequence variant interpretation guidelines (Richards et al. 2015 PMID: 25741868, with internal and published modifications).